The following is an entry in ClinVar:

ClinVar aggregate classification (germline): Uncertain significance (1 of 4 stars; one submission).

Conditions:
Neuropathy, hereditary sensory and autonomic, type 2A (HSAN2A). Also called: HSAN IIA; ACROOSTEOLYSIS, GIACCAI TYPE; ACROOSTEOLYSIS, NEUROGENIC; MORVAN DISEASE; NEUROPATHY, CONGENITAL SENSORY; NEUROPATHY, HEREDITARY SENSORY RADICULAR, AUTOSOMAL RECESSIVE. Identifiers: Orphanet 970, MedGen C2752089, MONDO:0024309, OMIM 201300.
Generalized epilepsy with febrile seizures plus, type 7 (GEFSP7). Also called: GEFS+, TYPE 7. Identifiers: Orphanet 36387, MedGen C2751778, MONDO:0013470, OMIM 613863.

Allele frequency attached by ClinVar (database versions not stated): gnomAD exomes below 0.00001; ExAC 0.00001.
gnomAD v4.1: 1 of 1,613,490 alleles (0.000062%); highest among the groups gnomAD compares: Non-Finnish European, 0.000085%; no homozygotes.

Submission:

Labcorp Genetics (formerly Invitae), Labcorp
Classification: Uncertain significance for Neuropathy, hereditary sensory and autonomic, type 2A; Generalized epilepsy with febrile seizures plus, type 7. Last evaluated: 2023-08-14. Review status: criteria provided, single submitter. Criteria: Invitae Variant Classification Sherloc (09022015). Collection method: clinical testing. Allele origin: germline.
Comment: This sequence change replaces serine, which is neutral and polar, with isoleucine, which is neutral and non-polar, at codon 1063 of the SCN9A protein (p.Ser1063Ile). This variant is present in population databases (rs779723663, gnomAD 0.0009%). This missense change has been observed in individual(s) with clinical features of SCN9A-related conditions (Invitae). ClinVar contains an entry for this variant (Variation ID: 1019396). Advanced modeling of protein sequence and biophysical properties (such as structural, functional, and spatial information, amino acid conservation, physicochemical variation, residue mobility, and thermodynamic stability) performed at Invitae indicates that this missense variant is not expected to disrupt SCN9A protein function. In summary, the available evidence is currently insufficient to determine the role of this variant in disease. Therefore, it has been classified as a Variant of Uncertain Significance.

NM_001365536.1(SCN9A):c.3221G>T (p.Ser1074Ile)

Genes: SCN9A (sodium voltage-gated channel alpha subunit 9; minus strand), SCN1A-AS1 (SCN1A and SCN9A antisense RNA 1; plus strand). Cytogenetic location: 2q24.3.
Variant type: single nucleotide variant.
Coding change: c.3221G>T on transcript NM_001365536.1 (MANE Select); coding-DNA position 3221, G replaced by T.
Protein change: p.Ser1074Ile; replaces serine 1074 with isoleucine.
Molecular consequence: missense variant.
Genome position (GRCh38, 1-based): chr2:166,272,529, C>A on the plus strand (G>T on the coding strand, the complement: SCN9A is on the minus strand). VCF-style: chr2-166272529-C-A. GRCh37 (hg19) VCF-style: chr2-167129039-C-A.
Other names: c.3188G>T, p.Ser1063Ile (NM_002977.4); short protein forms S1063I, S1074I.
Identifiers: ClinVar variation 1019396 (VCV001019396.9), dbSNP rs779723663, ClinGen allele CA1944119.
Genomic context (GRCh38, chr2:166,272,529, plus strand): 5'-CCAGGTGCAATTGGCACTGTCACTGTGAGGCTGGGATTGTGAATAAATGATTGACCATCA[C>A]TGTCTTCCATCAAGTGTTTGTCCACGCTGCTTCCAAAACCACTGATTTTATCTTTTTCCT-3'
Protein context (NP_001352465.1, residues 1064-1084): SSVDKHLMED[Ser1074Ile]DGQSFIHNPS